The following is an entry in ClinVar:

NM_022834.5(VWA1):c.*780T>G

Gene: VWA1 (von Willebrand factor A domain containing 1; plus strand). Cytogenetic location: 1p36.33.
Variant type: single nucleotide variant.
Coding change: c.*780T>G on transcript NM_022834.5 (MANE Select); 780 bases downstream of the stop codon, T replaced by G.
Molecular consequence: 3 prime UTR variant.
Genome position (GRCh38, 1-based): chr1:1,440,567, T>G. VCF-style: chr1-1440567-T-G. GRCh37 (hg19) VCF-style: chr1-1375947-T-G.
Other names: c.*1528T>G (NM_199121.3).
Identifiers: ClinVar variation 4687866 (VCV004687866.1).
Genomic context (GRCh38, chr1:1,440,567, plus strand): 5'-TTCCCAGGGGCCGCAGGGACGACACTCTCCAGGGAGGCCCCAGCAACCACACCATCTTCT[T>G]GCTGTGAGAGGTCTCACCCCGGGCTACCTCCTGTCACTACTCACTGCCCTGGGGTCCGTG-3'

ClinVar aggregate classification (germline): VUS-mid (1 of 4 stars; one submission).

Conditions:
Zygodactyly type 1. Identifiers: Orphanet 295187, Orphanet 93402, MedGen C1853294, MONDO:0012351, OMIM 609815.

gnomAD v4.1: 8,413 of 166,844 alleles (5%); highest among the groups gnomAD compares: East Asian, 13%; 311 homozygotes.

Submission:

Dr. Orhan Ocalgiray Molecular Biology-Biotechnology and Genetics Research Centre (MOBGAM), Istanbul Technical University
Classification: VUS-mid for Zygodactyly type 1. Review status: criteria provided, single submitter. Criteria: ACMG Guidelines, 2015. Collection method: research. Allele origin: germline. Inheritance: Autosomal dominant inheritance. Affected: yes. Observed: 1 variant allele, 1 heterozygote.
Comment: Variant rs13683 is found only in one haplotype in Turkish ZD1 group including 35 unrelated alleles. Variant is frequent in the Turkish population (0.066 in Turks, 74/1114 alleles) and not enriched in ZD1 group compared to general population. For this reason it is assessed as VUS.